The following is an entry in ClinVar:

NM_001267550.2(TTN):c.95375T>G (p.Val31792Gly)

Genes: TTN-AS1 (TTN antisense RNA 1; plus strand), TTN (titin; minus strand). Cytogenetic location: 2q31.2.
Variant type: single nucleotide variant.
Coding change: c.95375T>G on transcript NM_001267550.2 (MANE Select); coding-DNA position 95375, T replaced by G.
Protein change: p.Val31792Gly; replaces valine 31792 with glycine.
Molecular consequence: missense variant.
Genome position (GRCh38, 1-based): chr2:178,545,861, A>C on the plus strand (T>G on the coding strand, the complement: TTN is on the minus strand). VCF-style: chr2-178545861-A-C. GRCh37 (hg19) VCF-style: chr2-179410588-A-C.
Other names: c.90452T>G, p.Val30151Gly (NM_001256850.1); c.68180T>G, p.Val22727Gly (NM_003319.4); c.87671T>G, p.Val29224Gly (NM_133378.4); c.68555T>G, p.Val22852Gly (NM_133432.3); c.68756T>G, p.Val22919Gly (NM_133437.4); short protein forms V22852G, V22919G, V22727G, V29224G, V30151G, V31792G.
Identifiers: ClinVar variation 2923784 (VCV002923784.3), dbSNP rs767359045, ClinGen allele CA1986967.

ClinVar aggregate classification (germline): Uncertain significance (1 of 4 stars; one submission).

Conditions:
Dilated cardiomyopathy 1G (CMD1G). Identifiers: Orphanet 154, MedGen C1858763, MONDO:0011400, OMIM 604145.
Autosomal recessive limb-girdle muscular dystrophy type 2J (LGMDR10). Also called: Limb-girdle muscular dystrophy, type 2J; MUSCULAR DYSTROPHY, LIMB-GIRDLE, AUTOSOMAL RECESSIVE 10. Identifiers: Orphanet 140922, MedGen C1837342, MONDO:0012127, OMIM 608807.

Allele frequency attached by ClinVar (database versions not stated): ExAC 0.00001.
gnomAD v4.1: 2 of 1,613,834 alleles (0.00012%); highest among the groups gnomAD compares: Non-Finnish European, 0.00017%; no homozygotes.

Submission:

Labcorp Genetics (formerly Invitae), Labcorp
Classification: Uncertain significance for Dilated cardiomyopathy 1G; Autosomal recessive limb-girdle muscular dystrophy type 2J. Last evaluated: 2023-12-06. Review status: criteria provided, single submitter. Criteria: Invitae Variant Classification Sherloc (09022015). Collection method: clinical testing. Allele origin: germline.
Comment: This sequence change replaces valine, which is neutral and non-polar, with glycine, which is neutral and non-polar, at codon 31792 of the TTN protein (p.Val31792Gly). This variant is present in population databases (rs767359045, gnomAD 0.0009%). This variant has not been reported in the literature in individuals affected with TTN-related conditions. Experimental studies and prediction algorithms are not available or were not evaluated, and the functional significance of this variant is currently unknown. This variant is located in the A band of TTN (PMID: 25589632). Variants in this region may be relevant for cardiac or neuromuscular disorders (PMID: 25589632, 23975875). In summary, the available evidence is currently insufficient to determine the role of this variant in disease. Therefore, it has been classified as a Variant of Uncertain Significance.

Literature cited by the submitters: PubMed 25589632; PubMed 23975875.